The following is an entry in ClinVar:

ClinVar aggregate classification (germline): Uncertain significance (1 of 4 stars; one submission).

Submission:

Labcorp Genetics (formerly Invitae), Labcorp
Classification: Uncertain significance. Last evaluated: 2025-07-15. Review status: criteria provided, single submitter. Criteria: Invitae Variant Classification Sherloc (09022015). Collection method: clinical testing. Allele origin: germline.
Comment: This sequence change falls in intron 17 of the COL11A1 gene. It does not directly change the encoded amino acid sequence of the COL11A1 protein. This variant is not present in population databases (gnomAD no frequency). This variant has not been reported in the literature in individuals affected with COL11A1-related conditions. Algorithms developed to predict the effect of sequence changes on RNA splicing suggest that this variant may disrupt the consensus splice site. In summary, the available evidence is currently insufficient to determine the role of this variant in disease. Therefore, it has been classified as a Variant of Uncertain Significance.

NM_001854.4(COL11A1):c.1792-7T>A

Gene: COL11A1 (collagen type XI alpha 1 chain; minus strand). Cytogenetic location: 1p21.1.
Variant type: single nucleotide variant.
Coding change: c.1792-7T>A on transcript NM_001854.4 (MANE Select); 7 bases into the intron before coding-DNA position 1792, T replaced by A.
Molecular consequence: intron variant.
Genome position (GRCh38, 1-based): chr1:103,005,898, A>T on the plus strand (T>A on the coding strand, the complement: COL11A1 is on the minus strand). VCF-style: chr1-103005898-A-T. GRCh37 (hg19) VCF-style: chr1-103471454-A-T.
Other names: c.1675-7T>A (NM_001190709.2); c.1828-7T>A (NM_080629.3); c.1444-7T>A (NM_080630.4).
Identifiers: ClinVar variation 4807070 (VCV004807070.1).